The following is an entry in ClinVar:

ClinVar aggregate classification (germline): Uncertain significance (1 of 4 stars; one submission).

gnomAD v4.1: 1 of 1,200,322 alleles (0.000083%); highest among the groups gnomAD compares: Non-Finnish European, 0.00011%; no homozygotes.

Submission:

GeneDx
Classification: Uncertain significance. Last evaluated: 2025-02-25. Review status: criteria provided, single submitter. Criteria: GeneDx Variant Classification Process June 2021. Collection method: clinical testing. Allele origin: germline. Affected: yes.
Comment: Not observed at significant frequency in large population cohorts (gnomAD); In silico analysis indicates that this missense variant does not alter protein structure/function; Has not been previously published as pathogenic or benign to our knowledge

NM_019045.5(WDR44):c.1714T>A (p.Ser572Thr)

Gene: WDR44 (WD repeat domain 44; plus strand). Cytogenetic location: Xq24.
Variant type: single nucleotide variant.
Coding change: c.1714T>A on transcript NM_019045.5 (MANE Select); coding-DNA position 1714, T replaced by A.
Protein change: p.Ser572Thr; replaces serine 572 with threonine.
Molecular consequence: missense variant.
Genome position (GRCh38, 1-based): chrX:118,410,936, T>A. VCF-style: chrX-118410936-T-A. GRCh37 (hg19) VCF-style: chrX-117544899-T-A.
Other names: c.1714T>A, p.Ser572Thr (NM_001184965.2); c.1639T>A, p.Ser547Thr (NM_001184966.1); short protein forms S547T, S572T.
Identifiers: ClinVar variation 4077224 (VCV004077224.1).